The following is an entry in ClinVar:

ClinVar aggregate classification (germline): Conflicting classifications of pathogenicity. Review status: criteria provided, conflicting classifications (1 of 4 stars). 6 submissions from 6 submitters: Uncertain significance (5); Likely benign (1). Last evaluated 2026-01-12.

Conditions:
Lethal left ventricular non-compaction-seizures-hypotonia-cataract-developmental delay syndrome. Also called: Combined oxidative phosphorylation deficiency 31. Identifiers: Orphanet 478049, MedGen C4310661, MONDO:0014976, OMIM 617228.

Allele frequency attached by ClinVar (database versions not stated): ExAC 0.00066; TOPMed 0.00080; ESP Exome Variant Server 0.00092; gnomAD 0.00104 and 0.00111.
gnomAD v4.1: 1,222 of 1,607,416 alleles (0.076%); highest among the groups gnomAD compares: Non-Finnish European, 0.094%; no homozygotes.

Submissions (6):

Labcorp Genetics (formerly Invitae), Labcorp
Classification: Uncertain significance. Last evaluated: 2026-01-12. Review status: criteria provided, single submitter. Criteria: Invitae Variant Classification Sherloc (09022015). Collection method: clinical testing. Allele origin: germline.
Comment: This sequence change replaces glycine, which is neutral and non-polar, with aspartic acid, which is acidic and polar, at codon 682 of the MIPEP protein (p.Gly682Asp). This variant is present in population databases (rs150308123, gnomAD 0.1%), and has an allele count higher than expected for a pathogenic variant. This variant has not been reported in the literature in individuals affected with MIPEP-related conditions. ClinVar contains an entry for this variant (Variation ID: 392943). An algorithm developed to predict the effect of missense changes on protein structure and function (PolyPhen-2) suggests that this variant is likely to be tolerated. In summary, the available evidence is currently insufficient to determine the role of this variant in disease. Therefore, it has been classified as a Variant of Uncertain Significance.

Blueprint Genetics
Classification: Likely benign. Last evaluated: 2024-11-26. Review status: criteria provided, single submitter. Criteria: ACMG Guidelines, 2015. Collection method: clinical testing. Allele origin: germline.

Women's Health and Genetics/Laboratory Corporation of America, LabCorp
Classification: Uncertain significance. Last evaluated: 2024-05-02. Review status: criteria provided, single submitter. Criteria: LabCorp Variant Classification Summary - May 2015. Collection method: clinical testing. Allele origin: germline.
Comment: Variant summary: MIPEP c.2045G>A (p.Gly682Asp) results in a non-conservative amino acid change located in the Peptidase M3A/M3B catalytic domain (IPR001567) of the encoded protein sequence, in the first nucleotide of exon 19 adjacent to the intron 18 / exon 19 3' splice acceptor site. Three of five in-silico tools predict a benign effect of the variant on protein function. Several computational tools predict a significant impact on normal splicing: Four predict the variant abolishes a cryptic 5' donor site. However, these predictions have yet to be confirmed by functional studies. The variant allele was found at a frequency of 0.0007 in 245244 control chromosomes. To our knowledge, no occurrence of c.2045G>A in individuals affected with Lethal Left Ventricular Non-Compaction Delay Syndrome and no experimental evidence demonstrating its impact on protein function have been reported. ClinVar contains an entry for this variant (Variation ID: 392943). Based on the evidence outlined above, the variant was classified as uncertain significance.

Fulgent Genetics
Classification: Uncertain significance for Lethal left ventricular non-compaction-seizures-hypotonia-cataract-developmental delay syndrome. Last evaluated: 2021-08-04. Review status: criteria provided, single submitter. Criteria: ACMG Guidelines, 2015. Collection method: clinical testing. Allele origin: unknown.

GeneDx
Classification: Uncertain significance. Last evaluated: 2020-10-16. Review status: criteria provided, single submitter. Criteria: GeneDx Variant Classification Process June 2021. Collection method: clinical testing. Allele origin: germline. Affected: yes.
Comment: In silico analysis supports that this missense variant does not alter protein structure/function; Has not been previously published as pathogenic or benign to our knowledge

Baylor Genetics
Classification: Uncertain significance for Lethal left ventricular non-compaction-seizures-hypotonia-cataract-developmental delay syndrome. Last evaluated: 2018-02-02. Review status: criteria provided, single submitter. Criteria: ACMG Guidelines, 2015. Collection method: clinical testing. Allele origin: unknown. Affected: yes.
Comment: This variant was determined to be of uncertain significance according to ACMG Guidelines, 2015 [PMID:25741868].

NM_005932.4(MIPEP):c.2045G>A (p.Gly682Asp)

Gene: MIPEP (mitochondrial intermediate peptidase; minus strand). Cytogenetic location: 13q12.12.
Variant type: single nucleotide variant.
Coding change: c.2045G>A on transcript NM_005932.4 (MANE Select); coding-DNA position 2045, G replaced by A.
Protein change: p.Gly682Asp; replaces glycine 682 with aspartic acid.
Molecular consequence: missense variant.
Genome position (GRCh38, 1-based): chr13:23,730,445, C>T on the plus strand (G>A on the coding strand, the complement: MIPEP is on the minus strand). VCF-style: chr13-23730445-C-T. GRCh37 (hg19) VCF-style: chr13-24304584-C-T.
Other names: short protein forms G682D.
Identifiers: ClinVar variation 392943 (VCV000392943.10), dbSNP rs150308123, ClinGen allele CA6912678.
Genomic context (GRCh38, chr13:23,730,445, plus strand): 5'-TCCAAGTCGGAAACGAGGGCACTTACGAAGTCATCAACAGAAGGACACTTCTGAAGCATA[C>T]CTGCAAACAAAGGAAAGGTCAGAACTGCGTTCACCAGGAGGCAACAGGAAGCACAAAGAC-3'
Protein context (NP_005923.3, residues 672-692): GGREPMLMVE[Gly682Asp]MLQKCPSVDD